The following is an entry in ClinVar:

NM_001128840.3(CACNA1D):c.1384C>G (p.Arg462Gly)

Gene: CACNA1D (calcium voltage-gated channel subunit alpha1 D; plus strand). Cytogenetic location: 3p21.1.
Variant type: single nucleotide variant.
Coding change: c.1384C>G on transcript NM_001128840.3 (MANE Select); coding-DNA position 1384, C replaced by G.
Protein change: p.Arg462Gly; replaces arginine 462 with glycine.
Molecular consequence: missense variant.
Genome position (GRCh38, 1-based): chr3:53,702,804, C>G. VCF-style: chr3-53702804-C-G. GRCh37 (hg19) VCF-style: chr3-53736831-C-G.
Other names: c.1384C>G, p.Arg462Gly (NM_000720.4, NM_001128839.3); short protein forms R462G.
Identifiers: ClinVar variation 975352 (VCV000975352.6), dbSNP rs765353117, ClinGen allele CA2453901.

ClinVar aggregate classification (germline): Uncertain significance. Review status: criteria provided, single submitter (1 of 4 stars). 2 submissions from 2 submitters: Uncertain significance (1). 1 of the submissions does not count toward it. Last evaluated 2023-05-08.

Conditions:
Intellectual disability. Also called: intellectual disabilities; Intellectual developmental disorder; Intellectual functioning disability. Identifiers: MedGen C3714756, MeSH D008607, MONDO:0001071, HP:0001249.

Allele frequency attached by ClinVar (database versions not stated): TOPMed below 0.00001; ExAC 0.00002.
gnomAD v4.1: 8 of 1,614,136 alleles (0.0005%); highest among the groups gnomAD compares: Non-Finnish European, 0.00068%; no homozygotes.

Submissions (2):

Labcorp Genetics (formerly Invitae), Labcorp
Classification: Uncertain significance. Last evaluated: 2023-05-08. Review status: criteria provided, single submitter. Criteria: Invitae Variant Classification Sherloc (09022015). Collection method: clinical testing. Allele origin: germline.
Comment: In summary, the available evidence is currently insufficient to determine the role of this variant in disease. Therefore, it has been classified as a Variant of Uncertain Significance. An algorithm developed to predict the effect of missense changes on protein structure and function (PolyPhen-2) suggests that this variant is likely to be disruptive. ClinVar contains an entry for this variant (Variation ID: 975352). This variant has not been reported in the literature in individuals affected with CACNA1D-related conditions. This variant is present in population databases (rs765353117, gnomAD 0.002%). This sequence change replaces arginine, which is basic and polar, with glycine, which is neutral and non-polar, at codon 462 of the CACNA1D protein (p.Arg462Gly).

Centre de Biologie Pathologie Génétique, Centre Hospitalier Universitaire de Lille
Classification: Likely benign for Intellectual disability. Last evaluated: 2019-01-01. Review status: no assertion criteria provided. Collection method: clinical testing. Allele origin: inherited. Affected: yes. Not counted in ClinVar's aggregate classification.